The following is an entry in ClinVar:

NM_032982.4(CASP2):c.852T>C (p.Tyr284=)

Gene: CASP2 (caspase 2; plus strand). Cytogenetic location: 7q34.
Variant type: single nucleotide variant.
Coding change: c.852T>C on transcript NM_032982.4 (MANE Select); coding-DNA position 852, T replaced by C.
Protein change: p.Tyr284=; no amino-acid change (tyrosine 284 retained).
Molecular consequence: synonymous variant. On other transcripts: 3 prime UTR variant (1).
Genome position (GRCh38, 1-based): chr7:143,300,027, T>C. VCF-style: chr7-143300027-T-C. GRCh37 (hg19) VCF-style: chr7-142997120-T-C.
Other names: c.759T>C, p.Tyr253= (NM_001224.5); c.*307T>C (NM_032983.4).
Identifiers: ClinVar variation 4874951 (VCV004874951.2).

ClinVar aggregate classification (germline): Likely benign (1 of 4 stars; one submission).

gnomAD v4.1: 16 of 1,613,974 alleles (0.00099%); highest among the groups gnomAD compares: East Asian, 0.0067%; no homozygotes.

Submission:

CeGaT Center for Human Genetics Tuebingen
Classification: Likely benign. Last evaluated: 2026-05-01. Review status: criteria provided, single submitter. Criteria: CeGaT Center For Human Genetics Tuebingen Variant Classification Criteria Version 2. Collection method: clinical testing. Allele origin: germline. Affected: yes. Observed: 1 variant allele.
Comment: CASP2: BP4, BP7